The following is an entry in ClinVar:

NM_001100913.3(PACS2):c.502G>A (p.Glu168Lys)

Gene: PACS2 (phosphofurin acidic cluster sorting protein 2; plus strand). Cytogenetic location: 14q32.33.
Variant type: single nucleotide variant.
Coding change: c.502G>A on transcript NM_001100913.3 (MANE Select); coding-DNA position 502, G replaced by A.
Protein change: p.Glu168Lys; replaces glutamic acid 168 with lysine.
Molecular consequence: missense variant.
Genome position (GRCh38, 1-based): chr14:105,367,291, G>A. VCF-style: chr14-105367291-G-A. GRCh37 (hg19) VCF-style: chr14-105833628-G-A.
Other names: c.301G>A, p.Glu101Lys (NM_001243127.3); c.502G>A, p.Glu168Lys (NM_015197.4); short protein forms E101K, E168K.
Identifiers: ClinVar variation 1491047 (VCV001491047.7), dbSNP rs374606643, ClinGen allele CA7388398.

ClinVar aggregate classification (germline): Conflicting classifications of pathogenicity. Review status: criteria provided, conflicting classifications (1 of 4 stars). 2 submissions from 2 submitters: Uncertain significance (1); Likely benign (1). Last evaluated 2024-12-02.

Conditions:
Developmental and epileptic encephalopathy, 66. Also called: EPILEPTIC ENCEPHALOPATHY, EARLY INFANTILE, 66. Identifiers: MedGen C4748070, MONDO:0054845, OMIM 618067.

Allele frequency attached by ClinVar (database versions not stated): ExAC 0.00001; gnomAD exomes 0.00001 and 0.00003; gnomAD 0.00002; TOPMed 0.00002; ESP Exome Variant Server 0.00008.
gnomAD v4.1: 44 of 1,613,132 alleles (0.0027%); highest among the groups gnomAD compares: Non-Finnish European, 0.0035%; no homozygotes.

Submissions (2):

Labcorp Genetics (formerly Invitae), Labcorp
Classification: Likely benign. Last evaluated: 2024-12-02. Review status: criteria provided, single submitter. Criteria: Invitae Variant Classification Sherloc (09022015). Collection method: clinical testing. Allele origin: germline.

Neuberg Centre For Genomic Medicine, NCGM
Classification: Uncertain significance for Developmental and epileptic encephalopathy, 66. Last evaluated: 2023-06-22. Review status: criteria provided, single submitter. Criteria: ACMG Guidelines, 2015. Collection method: clinical testing. Allele origin: germline. Inheritance: Autosomal dominant inheritance. Affected: yes.
Comment: The observed missense c.502G>A(p.Glu168Lys) variant in PACS2 gene has not been reported previously as a pathogenic variant nor as a benign variant, to our knowledge. This variant is reported with the allele frequency of 0.0008% in the gnomAD Exomes. This variant has been reported to the ClinVar database as Uncertain Significance. However, no details are available for independent assessment. The amino acid Glu at position 168 is changed to a Lys changing protein sequence and it might alter its composition and physico-chemical properties. The amino acid change p.Glu168Lys in PACS2 is predicted as conserved by GERP++ and PhyloP across 100 vertebrates. Computational evidence (Polyphen - Damaging, SIFT - Tolerated, and MutationTaster - Disease causing) predicts conflicting evidence on protein structure and function for this variant. For these reasons, this variant has been classified as Uncertain Significance.